The following is an entry in ClinVar:

NM_001004334.4(GPR179):c.3427G>A (p.Ala1143Thr)

Gene: GPR179 (G protein-coupled receptor 179; minus strand). Cytogenetic location: 17q12.
Variant type: single nucleotide variant.
Coding change: c.3427G>A on transcript NM_001004334.4 (MANE Select); coding-DNA position 3427, G replaced by A.
Protein change: p.Ala1143Thr; replaces alanine 1143 with threonine.
Molecular consequence: missense variant.
Genome position (GRCh38, 1-based): chr17:38,330,142, C>T on the plus strand (G>A on the coding strand, the complement: GPR179 is on the minus strand). VCF-style: chr17-38330142-C-T. GRCh37 (hg19) VCF-style: chr17-36486025-C-T.
Other names: c.3427G>A (NM_001004334.2); short protein forms A1143T.
Identifiers: ClinVar variation 1365594 (VCV001365594.5), dbSNP rs762296161, ClinGen allele CA290105110.

ClinVar aggregate classification (germline): Uncertain significance. Review status: criteria provided, multiple submitters, no conflicts (2 of 4 stars). 2 submissions from 2 submitters: Uncertain significance (2). Last evaluated 2025-08-21.

Conditions:
Inborn genetic diseases. Identifiers: MedGen C0950123, MeSH D030342.

Allele frequency attached by ClinVar (database versions not stated): ExAC 0.00001; gnomAD 0.00001 and 0.00002; TOPMed 0.00001; gnomAD exomes 0.00002.
gnomAD v4.1: 35 of 1,595,460 alleles (0.0022%); highest among the groups gnomAD compares: African/African-American, 0.0067%; no homozygotes.

Submissions (2):

Labcorp Genetics (formerly Invitae), Labcorp
Classification: Uncertain significance. Last evaluated: 2025-08-21. Review status: criteria provided, single submitter. Criteria: Invitae Variant Classification Sherloc (09022015). Collection method: clinical testing. Allele origin: germline.
Comment: This sequence change replaces alanine, which is neutral and non-polar, with threonine, which is neutral and polar, at codon 1143 of the GPR179 protein (p.Ala1143Thr). This variant is present in population databases (rs762296161, gnomAD 0.008%). This variant has not been reported in the literature in individuals affected with GPR179-related conditions. ClinVar contains an entry for this variant (Variation ID: 1365594). An algorithm developed to predict the effect of missense changes on protein structure and function outputs the following: PolyPhen-2: "Benign". The threonine amino acid residue is found in multiple mammalian species, which suggests that this missense change does not adversely affect protein function. In summary, the available evidence is currently insufficient to determine the role of this variant in disease. Therefore, it has been classified as a Variant of Uncertain Significance.

Ambry Genetics
Classification: Uncertain significance for Inborn genetic diseases. Last evaluated: 2024-12-05. Review status: criteria provided, single submitter. Criteria: Ambry Variant Classification Scheme 2023. Collection method: clinical testing. Allele origin: germline.